The following is an entry in ClinVar:

ClinVar aggregate classification (germline): Uncertain significance (1 of 4 stars; one submission).

Conditions:
BBS9-related disorder. Also called: BBS9-related condition.

Submission:

PreventionGenetics, part of Exact Sciences
Classification: Uncertain significance for BBS9-related condition. Last evaluated: 2025-07-25. Review status: criteria provided, single submitter. Criteria: ACMG Guidelines, 2015. Collection method: clinical testing. Allele origin: germline.
Comment: The BBS9 c.1633A>G variant is predicted to result in the amino acid substitution p.Ser545Gly. This variant was reported in an individual with obesity (Day et al. 2021. PubMed ID: 33616283). Functional studies in HEK-293 cell lines showed that this variant lead to an increase in leptin signaling activity and STAT3 phosphorylation (Day et al. 2021. PubMed ID: 33616283). This variant has not been reported in a large population database (gnomAD), indicating this variant is rare. At this time, the clinical significance of this variant is uncertain due to the absence of conclusive functional and genetic evidence.

NM_198428.3(BBS9):c.1633A>G (p.Ser545Gly)

Gene: BBS9 (Bardet-Biedl syndrome 9; plus strand). Cytogenetic location: 7p14.3.
Variant type: single nucleotide variant.
Coding change: c.1633A>G on transcript NM_198428.3 (MANE Select); coding-DNA position 1633, A replaced by G.
Protein change: p.Ser545Gly; replaces serine 545 with glycine.
Molecular consequence: missense variant. On other transcripts: non-coding transcript variant (3).
Genome position (GRCh38, 1-based): chr7:33,357,935, A>G. VCF-style: chr7-33357935-A-G. GRCh37 (hg19) VCF-style: chr7-33397547-A-G.
Other names: c.1267A>G, p.Ser423Gly (NM_001348045.3, NM_001348046.3, NM_001348037.3); c.1633A>G, p.Ser545Gly (NM_001362679.1, NM_001348036.1, NM_001348041.4 and 1 more transcripts); c.1513A>G, p.Ser505Gly (NM_014451.4, NM_001348040.3); c.1528A>G, p.Ser510Gly (NM_001033604.2); c.1618A>G, p.Ser540Gly (NM_001033605.2); c.1360A>G, p.Ser454Gly (NM_001348038.3); c.1255A>G, p.Ser419Gly (NM_001348039.3); c.1498A>G, p.Ser500Gly (NM_001348042.3); and 1 more; short protein forms S388G, S419G, S423G, S454G, S500G, S505G, S510G, S540G.
Identifiers: ClinVar variation 3356890 (VCV003356890.2).